The following is an entry in ClinVar:

NM_001365951.3(KIF1B):c.*279C>T

Gene: KIF1B (kinesin family member 1B; plus strand). Cytogenetic location: 1p36.22.
Variant type: single nucleotide variant.
Coding change: c.*279C>T on transcript NM_001365951.3 (MANE Select); 279 bases downstream of the stop codon, C replaced by T.
Molecular consequence: 3 prime UTR variant.
Genome position (GRCh38, 1-based): chr1:10,376,866, C>T. VCF-style: chr1-10376866-C-T. GRCh37 (hg19) VCF-style: chr1-10436924-C-T.
Other names: c.*279C>T (NM_001365952.1, NM_015074.3).
Identifiers: ClinVar variation 291594 (VCV000291594.6), dbSNP rs78490707, ClinGen allele CA10607331.

ClinVar aggregate classification (germline): Benign. Review status: criteria provided, multiple submitters, no conflicts (2 of 4 stars). 2 submissions from 2 submitters: Benign (2). Last evaluated 2018-01-13.

Conditions:
Neuroblastoma (NB). Identifiers: Orphanet 635, MedGen C0027819, MeSH D009447, MONDO:0005072, HP:0003006.

Allele frequency attached by ClinVar (database versions not stated): gnomAD 0.00800; 1000 Genomes Project 0.04034.
gnomAD v4.1: 5,156 of 339,136 alleles (1.5%); highest among the groups gnomAD compares: East Asian, 11%; 170 homozygotes.

Submissions (2):

Illumina Laboratory Services, Illumina
Classification: Benign for Neuroblastoma. Last evaluated: 2018-01-13. Review status: criteria provided, single submitter. Criteria: ICSL Variant Classification Criteria 13 December 2019. Collection method: clinical testing. Allele origin: germline.
Comment: This variant was observed in the ICSL laboratory as part of a predisposition screen in an ostensibly healthy population. It had not been previously curated by ICSL or reported in the Human Gene Mutation Database (HGMD: prior to June 1st, 2018), and was therefore a candidate for classification through an automated scoring system. Utilizing variant allele frequency, disease prevalence and penetrance estimates, and inheritance mode, an automated score was calculated to assess if this variant is too frequent to cause the disease. Based on the score and internal cut-off values, a variant classified as benign is not then subjected to further curation. The score for this variant resulted in a classification of benign for this disease.

Breakthrough Genomics
Classification: Benign. Review status: criteria provided, single submitter. Criteria: ACMG Guidelines, 2015. Collection method: not provided. Allele origin: germline. Inheritance: Autosomal dominant inheritance. Affected: yes.